The following is an entry in ClinVar:

NM_000321.3(RB1):c.188A>T (p.Lys63Ile)

Gene: RB1 (RB transcriptional corepressor 1; plus strand). Cytogenetic location: 13q14.2.
Variant type: single nucleotide variant.
Coding change: c.188A>T on transcript NM_000321.3 (MANE Select); coding-DNA position 188, A replaced by T.
Protein change: p.Lys63Ile; replaces lysine 63 with isoleucine.
Molecular consequence: missense variant.
Genome position (GRCh38, 1-based): chr13:48,307,330, A>T. VCF-style: chr13-48307330-A-T. GRCh37 (hg19) VCF-style: chr13-48881466-A-T.
Other names: c.188A>T, p.Lys63Ile (NM_001407165.1, NM_001407166.1, NM_001407167.1); short protein forms K63I.
Identifiers: ClinVar variation 3387553 (VCV003387553.1).

ClinVar aggregate classification (germline): Uncertain significance (1 of 4 stars; one submission).

Conditions:
Retinoblastoma (RB1). Also called: RETINOBLASTOMA, SOMATIC. Identifiers: Orphanet 790, MedGen C0035335, MeSH D012175, MONDO:0008380, OMIM 180200, HP:0009919. Disease mechanism: loss of function. Inheritance: Both sporadic and heritable forms are tested..

Submission:

All of Us Research Program, National Institutes of Health
Classification: Uncertain significance for Retinoblastoma. Last evaluated: 2024-03-05. Review status: criteria provided, single submitter. Criteria: ACMG Guidelines, 2015. Collection method: clinical testing. Allele origin: germline. Inheritance: Autosomal dominant inheritance. Observed: 1 variant allele, 1 heterozygote.
Comment: This missense variant replaces lysine with isoleucine at codon 63 of the RB1 protein. Computational prediction is inconclusive regarding the impact of this variant on protein structure and function (internally defined REVEL score threshold 0.5 < inconclusive < 0.7, PMID: 27666373). To our knowledge, functional studies have not been reported for this variant. This variant has not been reported in individuals affected with hereditary cancer in the literature. This variant has not been identified in the general population by the Genome Aggregation Database (gnomAD). The available evidence is insufficient to determine the role of this variant in disease conclusively. Therefore, this variant is classified as a Variant of Uncertain Significance.

This study involves interpretation of variants in research participants for the purpose of population health screening. Participant phenotype was not available at the time of variant classification. Additional details can be found in publication PMID: 35346344, PMCID: PMC8962531